The following is an entry in ClinVar:

NM_000455.5(STK11):c.666C>T (p.Pro222=)

Gene: STK11 (serine/threonine kinase 11; plus strand). Cytogenetic location: 19p13.3.
Variant type: single nucleotide variant.
Coding change: c.666C>T on transcript NM_000455.5 (MANE Select); coding-DNA position 666, C replaced by T.
Protein change: p.Pro222=; no amino-acid change (proline 222 retained).
Molecular consequence: synonymous variant.
Genome position (GRCh38, 1-based): chr19:1,220,649, C>T. VCF-style: chr19-1220649-C-T. GRCh37 (hg19) VCF-style: chr19-1220648-C-T.
Identifiers: ClinVar variation 183713 (VCV000183713.59), dbSNP rs542189325, ClinGen allele CA023214.

ClinVar aggregate classification (germline): Benign/Likely benign. Review status: criteria provided, multiple submitters, no conflicts (2 of 4 stars). 17 submissions from 17 submitters: Benign (8); Likely benign (7). 2 of the submissions do not count toward it. Last evaluated 2026-02-04.

Conditions:
Breast and/or ovarian cancer. Identifiers: MedGen CN221562.
Hereditary cancer-predisposing syndrome. Also called: Tumor predisposition; Neoplastic Syndromes, Hereditary; Hereditary Cancer Syndrome; Hereditary neoplastic syndrome. Identifiers: Orphanet 140162, MedGen C0027672, MeSH D009386, MONDO:0015356.
Peutz-Jeghers syndrome (PJS). Also called: Peutz-Jeghers polyposis; Periorificial lentiginosis syndrome; POLYPOSIS, HAMARTOMATOUS INTESTINAL; POLYPS-AND-SPOTS SYNDROME. Identifiers: Orphanet 2869, MedGen C0031269, MeSH D010580, MONDO:0008280, OMIM 175200.
Malignant tumor of breast. Also called: Malignant breast neoplasm; Cancer breast. Identifiers: MedGen C0006142, MONDO:0007254. Disease mechanism: loss of function.

Allele frequency attached by ClinVar (database versions not stated): ExAC 0.00082; TOPMed 0.00002; gnomAD 0.00005 and 0.00017; 1000 Genomes Project 30x 0.00047; 1000 Genomes Project 0.00060.
gnomAD v4.1: 430 of 1,609,920 alleles (0.027%); highest among the groups gnomAD compares: South Asian, 0.41%; 4 homozygotes.

Submissions (17):

Labcorp Genetics (formerly Invitae), Labcorp
Classification: Benign for Peutz-Jeghers syndrome. Last evaluated: 2026-02-04. Review status: criteria provided, single submitter. Criteria: Invitae Variant Classification Sherloc (09022015). Collection method: clinical testing. Allele origin: germline.

Blueprint Genetics
Classification: Likely benign. Last evaluated: 2024-09-02. Review status: criteria provided, single submitter. Criteria: ACMG Guidelines, 2015. Collection method: clinical testing. Allele origin: germline.

All of Us Research Program, National Institutes of Health
Classification: Benign for Peutz-Jeghers syndrome. Last evaluated: 2024-01-11. Review status: criteria provided, single submitter. Criteria: ACMG Guidelines, 2015. Collection method: clinical testing. Allele origin: germline. Inheritance: Autosomal dominant inheritance. Observed: 20 variant alleles, 19 heterozygotes, 1 homozygote.
Comment: This study involves interpretation of variants in research participants for the purpose of population health screening. Participant phenotype was not available at the time of variant classification. Additional details can be found in publication PMID: 35346344, PMCID: PMC8962531

CeGaT Center for Human Genetics Tuebingen
Classification: Likely benign. Last evaluated: 2023-10-01. Review status: criteria provided, single submitter. Criteria: CeGaT Center For Human Genetics Tuebingen Variant Classification Criteria Version 2. Collection method: clinical testing. Allele origin: germline. Affected: yes. Observed: 1 variant allele.
Comment: STK11: BP4, BP7, BS1

KCCC/NGS Laboratory, Kuwait Cancer Control Center
Classification: Benign for Peutz-Jeghers syndrome. Last evaluated: 2023-07-07. Review status: criteria provided, single submitter. Criteria: ACMG Guidelines, 2015. Collection method: clinical testing. Allele origin: germline. Affected: yes.

CHEO Genetics Diagnostic Laboratory, Children's Hospital of Eastern Ontario
Classification: Likely benign for Breast and/or ovarian cancer. Last evaluated: 2023-06-05. Review status: criteria provided, single submitter. Criteria: ACMG Guidelines, 2015. Collection method: clinical testing. Allele origin: germline.

Myriad Genetics, Inc.
Classification: Benign for Peutz-Jeghers syndrome. Last evaluated: 2023-04-13. Review status: criteria provided, single submitter. Criteria: Myriad Autosomal Dominant, Autosomal Recessive and X-Linked Classification Criteria (2023). Collection method: clinical testing. Allele origin: unknown.
Comment: This variant is considered benign. This variant is a silent/synonymous amino acid change and it is not expected to impact splicing.

Genome-Nilou Lab
Classification: Likely benign for Peutz-Jeghers syndrome. Last evaluated: 2021-07-15. Review status: criteria provided, single submitter. Criteria: ACMG Guidelines, 2015. Collection method: clinical testing. Allele origin: germline. Affected: no.

Sema4
Classification: Benign for Hereditary cancer-predisposing syndrome. Last evaluated: 2021-04-28. Review status: criteria provided, single submitter. Criteria: Sema4 Curation Guidelines. Collection method: curation. Allele origin: germline.

GeneDx
Classification: Likely benign. Last evaluated: 2021-03-12. Review status: criteria provided, single submitter. Criteria: GeneDx Variant Classification Process June 2021. Collection method: clinical testing. Allele origin: germline. Affected: yes.

Quest Diagnostics Nichols Institute San Juan Capistrano
Classification: Benign. Last evaluated: 2019-10-23. Review status: criteria provided, single submitter. Criteria: Quest Diagnostics criteria. Collection method: clinical testing. Allele origin: unknown.

Women's Health and Genetics/Laboratory Corporation of America, LabCorp
Classification: Benign. Last evaluated: 2018-04-23. Review status: criteria provided, single submitter. Criteria: LabCorp Variant Classification Summary - May 2015. Collection method: clinical testing. Allele origin: germline.
Comment: Variant summary: STK11 c.666C>T alters a non-conserved nucleotide resulting in a synonymous change. 5/5 computational tools predict no significant impact on normal splicing. However, these predictions have yet to be confirmed by functional studies. The variant allele was found at a frequency of 0.00054 in 268862 control chromosomes, predominantly at a frequency of 0.0043 within the South Asian subpopulation in the gnomAD database, including 1 homozygotes. The observed variant frequency within South Asian control individuals in the gnomAD database is approximately 688 fold of the estimated maximal expected allele frequency for a pathogenic variant in STK11 causing Peutz-Jeghers Syndrome phenotype (6.3e-06), strongly suggesting that the variant is a benign polymorphism found primarily in populations of South Asian origin. To our knowledge, no occurrence of c.666C>T in individuals affected with Peutz-Jeghers Syndrome and no experimental evidence demonstrating its impact on protein function have been reported. Five clinical diagnostic laboratories have submitted clinical-significance assessments for this variant to ClinVar after 2014 without evidence for independent evaluation. All laboratories classified the variant as benign/likely benign. Based on the evidence outlined above, the variant was classified as benign.

Illumina Laboratory Services, Illumina
Classification: Likely benign for Peutz-Jeghers syndrome. Last evaluated: 2017-04-27. Review status: criteria provided, single submitter. Criteria: ICSL Variant Classification Criteria 13 December 2019. Collection method: clinical testing. Allele origin: germline.
Comment: This variant was observed as part of a predisposition screen in an ostensibly healthy population. A literature search was performed for the gene, cDNA change, and amino acid change (where applicable). No publications were found based on this search. Allele frequency data from public databases allowed determination this variant is unlikely to cause disease. Therefore, this variant is classified as likely benign.

Color Diagnostics, LLC DBA Color Health
Classification: Benign for Hereditary cancer-predisposing syndrome. Last evaluated: 2015-08-11. Review status: criteria provided, single submitter. Criteria: ACMG Guidelines, 2015. Collection method: clinical testing. Allele origin: germline.

Ambry Genetics
Classification: Likely benign for Hereditary cancer-predisposing syndrome. Last evaluated: 2014-12-09. Review status: criteria provided, single submitter. Criteria: Ambry Variant Classification Scheme 2023. Collection method: clinical testing. Allele origin: germline.

Counsyl
Classification: Likely benign for Peutz-Jeghers syndrome. Last evaluated: 2015-12-23. Review status: no assertion criteria provided. Collection method: clinical testing. Allele origin: unknown. Not counted in ClinVar's aggregate classification.

Department of Pathology and Laboratory Medicine, Sinai Health System
Classification: Likely benign for Malignant tumor of breast. Review status: no assertion criteria provided. Collection method: clinical testing. Allele origin: unknown. Affected: yes. Study: The Canadian Open Genetics Repository (COGR). Not counted in ClinVar's aggregate classification.
Comment: The STK11 p.Pro222= variant was not identified in the literature nor was it identified in Cosmic, MutDB, Zhejiang University Database or Insight Hereditary Tumors Database. The variant was identified in dbSNP (ID: rs542189325 as â€šÃ„ÃºWith Likely benign, other alleleâ€šÃ„Ã¹), ClinVar (classified benign by Invitae and Color Genomics Inc and as likely benign by Ambry Genetics, Illumina, Counsyl and GeneDx), and LOVD 3.0 (1x). The variant was identified in control databases in 145 of 268862 chromosomes (1 homozygous) at a frequency of 0.0005, increasing the likelihood this could be a low frequency benign variant (Genome Aggregation Database Feb 27, 2017). The variant was observed in the following populations: South Asian in 132 of 30482 chromosomes (freq: 0.004, 1 homozygous), African in 1 of 22816 chromosomes (freq: 0.00004), Latino in 3 of 34078 chromosomes (freq: 0.00009), European Non-Finnish in 6 of 121580 chromosomes (freq: 0.00005), and East Asian in 3 of 18654 chromosomes (freq: 0.0002), while it not observed in the Other, Ashkenazi Jewish or Finnish populations. The p.Pro222= variant is not expected to have clinical significance because it does not result in a change of amino acid and is not located in a known consensus splice site. The variant occurs outside of the splicing consensus sequence and in silico or computational prediction software programs (SpliceSiteFinder, MaxEntScan, NNSPLICE, GeneSplicer) do not predict a difference in splicing. In summary, based on the above information the clinical significance of this variant cannot be determined with certainty at this time although we would lean towards a more benign role for this variant. This variant is classified as likely benign.